The following is an entry in ClinVar:

ClinVar aggregate classification (germline): Pathogenic (1 of 4 stars; one submission).

Allele frequency attached by ClinVar (database versions not stated): gnomAD exomes below 0.00001.

Submission:

Labcorp Genetics (formerly Invitae), Labcorp
Classification: Pathogenic. Last evaluated: 2022-12-12. Review status: criteria provided, single submitter. Criteria: Invitae Variant Classification Sherloc (09022015). Collection method: clinical testing. Allele origin: germline.
Comment: For these reasons, this variant has been classified as Pathogenic. This variant has not been reported in the literature in individuals affected with FRAS1-related conditions. This variant is not present in population databases (gnomAD no frequency). This sequence change creates a premature translational stop signal (p.Val3067Glyfs*35) in the FRAS1 gene. It is expected to result in an absent or disrupted protein product. Loss-of-function variants in FRAS1 are known to be pathogenic (PMID: 12766769, 18671281).

Literature cited by the submitters: PubMed 12766769; PubMed 18671281.

NM_025074.7(FRAS1):c.9200del (p.Val3067fs)

Gene: FRAS1 (Fraser extracellular matrix complex subunit 1; plus strand). Cytogenetic location: 4q21.21.
Variant type: Deletion.
Coding change: c.9200del on transcript NM_025074.7 (MANE Select); coding-DNA position 9200, one base deleted (T; older notation c.9200delT).
Protein change: p.Val3067fs; shifts the reading frame from valine 3067.
Molecular consequence: frameshift variant.
Genome position (GRCh38, 1-based): chr4:78,499,805, T deleted. VCF-style (leftmost placement, unchanged base first): chr4-78499804-GT-G. GRCh37 (hg19) VCF-style: chr4-79420958-GT-G.
Other names: short protein forms V3067fs.
Identifiers: ClinVar variation 2803265 (VCV002803265.3), dbSNP rs2475792796, ClinGen allele CA2671137444.
Genomic context (GRCh38, chr4:78,499,804, plus strand): 5'-GCTGCATACCAAGTCCGGGAACCCGCAGGCCCAGATGCCATTGCGATTCTGAACATCAAG[GT>G]GATCCGCAGAGGGGATCAGAACAGGACCTCCAAGGTTCGCTGCAGCACGCGGGATGGCTC-3'